The following is an entry in ClinVar:

ClinVar aggregate classification (germline): Uncertain significance (1 of 4 stars; one submission).

Submission:

Labcorp Genetics (formerly Invitae), Labcorp
Classification: Uncertain significance. Last evaluated: 2022-10-05. Review status: criteria provided, single submitter. Criteria: Invitae Variant Classification Sherloc (09022015). Collection method: clinical testing. Allele origin: germline.
Comment: In summary, the available evidence is currently insufficient to determine the role of this variant in disease. Therefore, it has been classified as a Variant of Uncertain Significance. Algorithms developed to predict the effect of missense changes on protein structure and function are either unavailable or do not agree on the potential impact of this missense change (SIFT: "Deleterious"; PolyPhen-2: "Probably Damaging"; Align-GVGD: "Class C15"). This variant has not been reported in the literature in individuals affected with AMER1-related conditions. This variant is not present in population databases (gnomAD no frequency). This sequence change replaces glutamic acid, which is acidic and polar, with lysine, which is basic and polar, at codon 334 of the AMER1 protein (p.Glu334Lys).

NM_152424.4(AMER1):c.1000G>A (p.Glu334Lys)

Gene: AMER1 (APC membrane recruitment protein 1; minus strand). Cytogenetic location: Xq11.2.
Variant type: single nucleotide variant.
Coding change: c.1000G>A on transcript NM_152424.4 (MANE Select); coding-DNA position 1000, G replaced by A.
Protein change: p.Glu334Lys; replaces glutamic acid 334 with lysine.
Molecular consequence: missense variant.
Genome position (GRCh38, 1-based): chrX:64,192,287, C>T on the plus strand (G>A on the coding strand, the complement: AMER1 is on the minus strand). VCF-style: chrX-64192287-C-T. GRCh37 (hg19) VCF-style: chrX-63412167-C-T.
Other names: short protein forms E334K.
Identifiers: ClinVar variation 1721012 (VCV001721012.5), dbSNP rs2147089265, ClinGen allele CA413308723.